The following is an entry in ClinVar:

NM_018671.5(UNC45A):c.1289A>C (p.Asn430Thr)

Gene: UNC45A (unc-45 myosin chaperone A; plus strand). Cytogenetic location: 15q26.1.
Variant type: single nucleotide variant.
Coding change: c.1289A>C on transcript NM_018671.5 (MANE Select); coding-DNA position 1289, A replaced by C.
Protein change: p.Asn430Thr; replaces asparagine 430 with threonine.
Molecular consequence: missense variant.
Genome position (GRCh38, 1-based): chr15:90,946,703, A>C. VCF-style: chr15-90946703-A-C. GRCh37 (hg19) VCF-style: chr15-91489933-A-C.
Other names: c.1244A>C, p.Asn415Thr (NM_001039675.2, NM_001323621.2); c.1289A>C, p.Asn430Thr (NM_001323619.1); c.854A>C, p.Asn285Thr (NM_001323620.2); short protein forms N285T, N415T, N430T.
Identifiers: ClinVar variation 2414965 (VCV002414965.3), dbSNP rs779191197, ClinGen allele CA7742849.

ClinVar aggregate classification (germline): Uncertain significance (1 of 4 stars; one submission).

Allele frequency attached by ClinVar (database versions not stated): gnomAD 0.00002; ExAC 0.00003; TOPMed 0.00003.
gnomAD v4.1: 37 of 1,612,864 alleles (0.0023%); highest among the groups gnomAD compares: Middle Eastern, 0.02%; no homozygotes.

Submission:

Labcorp Genetics (formerly Invitae), Labcorp
Classification: Uncertain significance. Last evaluated: 2022-04-17. Review status: criteria provided, single submitter. Criteria: Invitae Variant Classification Sherloc (09022015). Collection method: clinical testing. Allele origin: germline.
Comment: This sequence change replaces asparagine, which is neutral and polar, with threonine, which is neutral and polar, at codon 430 of the UNC45A protein (p.Asn430Thr). This variant is present in population databases (rs779191197, gnomAD 0.004%). This variant has not been reported in the literature in individuals affected with UNC45A-related conditions. Algorithms developed to predict the effect of missense changes on protein structure and function are either unavailable or do not agree on the potential impact of this missense change (SIFT: "Not Available"; PolyPhen-2: "Probably Damaging"; Align-GVGD: "Not Available"). In summary, the available evidence is currently insufficient to determine the role of this variant in disease. Therefore, it has been classified as a Variant of Uncertain Significance.